The following is an entry in ClinVar:

NM_001184.4(ATR):c.2170C>G (p.Leu724Val)

Gene: ATR (ATR checkpoint kinase; minus strand). Cytogenetic location: 3q23.
Variant type: single nucleotide variant.
Coding change: c.2170C>G on transcript NM_001184.4 (MANE Select); coding-DNA position 2170, C replaced by G.
Protein change: p.Leu724Val; replaces leucine 724 with valine.
Molecular consequence: missense variant.
Genome position (GRCh38, 1-based): chr3:142,556,048, G>C on the plus strand (C>G on the coding strand, the complement: ATR is on the minus strand). VCF-style: chr3-142556048-G-C. GRCh37 (hg19) VCF-style: chr3-142274890-G-C.
Other names: c.1978C>G, p.Leu660Val (NM_001354579.2); short protein forms L660V, L724V.
Identifiers: ClinVar variation 1787090 (VCV001787090.2), dbSNP rs2108471318, ClinGen allele CA354818842.

ClinVar aggregate classification (germline): Uncertain significance (1 of 4 stars; one submission).

Conditions:
Inborn genetic diseases. Identifiers: MedGen C0950123, MeSH D030342.

Submission:

Ambry Genetics
Classification: Uncertain significance for Inborn genetic diseases. Last evaluated: 2022-03-14. Review status: criteria provided, single submitter. Criteria: Ambry Variant Classification Scheme 2023. Collection method: clinical testing. Allele origin: germline.
Comment: The p.L724V variant (also known as c.2170C>G), located in coding exon 10 of the ATR gene, results from a C to G substitution at nucleotide position 2170. The leucine at codon 724 is replaced by valine, an amino acid with highly similar properties. This amino acid position is conserved. In addition, this alteration is predicted to be tolerated by in silico analysis. Since supporting evidence is limited at this time, the clinical significance of this alteration remains unclear.